The following is an entry in ClinVar:

NM_001376.5(DYNC1H1):c.9762+4T>C

Gene: DYNC1H1 (dynein cytoplasmic 1 heavy chain 1; plus strand). Cytogenetic location: 14q32.31.
Variant type: single nucleotide variant.
Coding change: c.9762+4T>C on transcript NM_001376.5 (MANE Select); 4 bases into the intron after coding-DNA position 9762, T replaced by C.
Molecular consequence: intron variant.
Genome position (GRCh38, 1-based): chr14:102,029,942, T>C. VCF-style: chr14-102029942-T-C. GRCh37 (hg19) VCF-style: chr14-102496279-T-C.
Identifiers: ClinVar variation 1768119 (VCV001768119.7), dbSNP rs1267511172, ClinGen allele CA966675385.

ClinVar aggregate classification (germline): Uncertain significance. Review status: criteria provided, multiple submitters, no conflicts (2 of 4 stars). 2 submissions from 2 submitters: Uncertain significance (2). Last evaluated 2024-12-07.

Conditions:
Inborn genetic diseases. Identifiers: MedGen C0950123, MeSH D030342.
Charcot-Marie-Tooth disease axonal type 2O. Also called: Charcot-Marie-Tooth disease, axonal, type 20; CHARCOT-MARIE-TOOTH NEUROPATHY, AXONAL, TYPE 2O; CHARCOT-MARIE-TOOTH DISEASE, AXONAL, AUTOSOMAL DOMINANT, TYPE 2O; Charcot-Marie-Tooth Neuropathy Type 2O. Identifiers: Orphanet 284232, MedGen C3280220, MONDO:0013644, OMIM 614228.

Allele frequency attached by ClinVar (database versions not stated): gnomAD exomes below 0.00001; gnomAD 0.00001.
gnomAD v4.1: 4 of 1,613,806 alleles (0.00025%); highest among the groups gnomAD compares: African/African-American, 0.0013%; no homozygotes.

Submissions (2):

Labcorp Genetics (formerly Invitae), Labcorp
Classification: Uncertain significance for Charcot-Marie-Tooth disease axonal type 2O. Last evaluated: 2024-12-07. Review status: criteria provided, single submitter. Criteria: Invitae Variant Classification Sherloc (09022015). Collection method: clinical testing. Allele origin: germline.
Comment: This sequence change falls in intron 50 of the DYNC1H1 gene. It does not directly change the encoded amino acid sequence of the DYNC1H1 protein. It affects a nucleotide within the consensus splice site. This variant is not present in population databases (gnomAD no frequency). This variant has not been reported in the literature in individuals affected with DYNC1H1-related conditions. ClinVar contains an entry for this variant (Variation ID: 1768119). Variants that disrupt the consensus splice site are a relatively common cause of aberrant splicing (PMID: 17576681, 9536098). Algorithms developed to predict the effect of sequence changes on RNA splicing suggest that this variant is not likely to affect RNA splicing. In summary, the available evidence is currently insufficient to determine the role of this variant in disease. Therefore, it has been classified as a Variant of Uncertain Significance.

Ambry Genetics
Classification: Uncertain significance for Inborn genetic diseases. Last evaluated: 2018-11-23. Review status: criteria provided, single submitter. Criteria: Ambry Variant Classification Scheme 2023. Collection method: clinical testing. Allele origin: germline.
Comment: The c.9762+4T>C intronic variant results from a T to C substitution 4 nucleotides after coding exon 50 in the DYNC1H1 gene. This nucleotide position is well conserved in available vertebrate species. Using the BDGP and ESEfinder splice site prediction tools, this alteration is not predicted to have any significant effect on this splice donor site; however, direct evidence is unavailable. Since supporting evidence is limited at this time, the clinical significance of this alteration remains unclear.

Literature cited by the submitters: PubMed 17576681 (cited by Labcorp Genetics (formerly Invitae), Labcorp); PubMed 9536098 (cited by Labcorp Genetics (formerly Invitae), Labcorp).